The following is an entry in ClinVar:

NM_000051.4(ATM):c.4443T>C (p.Ser1481=)

Gene: ATM (ATM serine/threonine kinase; plus strand). Cytogenetic location: 11q22.3.
Variant type: single nucleotide variant.
Coding change: c.4443T>C on transcript NM_000051.4 (MANE Select); coding-DNA position 4443, T replaced by C.
Protein change: p.Ser1481=; no amino-acid change (serine 1481 retained).
Molecular consequence: synonymous variant.
Genome position (GRCh38, 1-based): chr11:108,292,625, T>C. VCF-style: chr11-108292625-T-C. GRCh37 (hg19) VCF-style: chr11-108163352-T-C.
Other names: c.4443T>C (NM_000051.3); c.4443T>C, p.Ser1481= (NM_001351834.2).
Identifiers: ClinVar variation 1111838 (VCV001111838.12), dbSNP rs2135797265, ClinGen allele CA476674113.

ClinVar aggregate classification (germline): Benign/Likely benign. Review status: criteria provided, multiple submitters, no conflicts (2 of 4 stars). 4 submissions from 4 submitters: Benign (1); Likely benign (2). 1 of the submissions does not count toward it. Last evaluated 2025-11-08.

Conditions:
Ataxia-telangiectasia syndrome (AT). Also called: Ataxia-telangiectasia, complementation group D; Ataxia telangiectasia (A-T); LOUIS-BAR SYNDROME; AT, COMPLEMENTATION GROUP C; Ataxia-telangiectasia; ATAXIA-TELANGIECTASIA, COMPLEMENTATION GROUP A. Identifiers: Orphanet 100, MedGen C0004135, MONDO:0008840, OMIM 208900.
Hereditary cancer-predisposing syndrome. Also called: Hereditary neoplastic syndrome; Tumor predisposition; Neoplastic Syndromes, Hereditary; Hereditary Cancer Syndrome. Identifiers: Orphanet 140162, MedGen C0027672, MeSH D009386, MONDO:0015356.
Familial cancer of breast. Also called: Hereditary breast cancer; hereditary breast carcinoma; BREAST CANCER, FAMILIAL. Identifiers: Orphanet 227535, MedGen C0346153, MONDO:0016419, OMIM 114480. Disease mechanism: loss of function.
ATM-related disorder. Also called: ATM-related disorders; ATM-related condition.

Submissions (4):

Labcorp Genetics (formerly Invitae), Labcorp
Classification: Likely benign for Ataxia-telangiectasia syndrome. Last evaluated: 2025-11-08. Review status: criteria provided, single submitter. Criteria: Invitae Variant Classification Sherloc (09022015). Collection method: clinical testing. Allele origin: germline.

Myriad Genetics, Inc.
Classification: Benign for Familial cancer of breast. Last evaluated: 2024-05-17. Review status: criteria provided, single submitter. Criteria: Myriad Autosomal Dominant, Autosomal Recessive and X-Linked Classification Criteria (2023). Collection method: clinical testing. Allele origin: unknown.
Comment: This variant is considered benign. This variant is a silent/synonymous amino acid change and it is not expected to impact splicing.

Ambry Genetics
Classification: Likely benign for Hereditary cancer-predisposing syndrome. Last evaluated: 2023-11-01. Review status: criteria provided, single submitter. Criteria: Ambry Variant Classification Scheme 2023. Collection method: clinical testing. Allele origin: germline.

PreventionGenetics, part of Exact Sciences
Classification: Likely benign for ATM-related condition. Last evaluated: 2023-02-08. Review status: no assertion criteria provided. Collection method: clinical testing. Allele origin: germline. Not counted in ClinVar's aggregate classification.
Comment: This variant is classified as likely benign based on ACMG/AMP sequence variant interpretation guidelines (Richards et al. 2015 PMID: 25741868, with internal and published modifications).